The following is an entry in ClinVar:

NM_006739.4(MCM5):c.1043A>T (p.Asp348Val)

Gene: MCM5 (minichromosome maintenance complex component 5; plus strand). Cytogenetic location: 22q12.3.
Variant type: single nucleotide variant.
Coding change: c.1043A>T on transcript NM_006739.4 (MANE Select); coding-DNA position 1043, A replaced by T.
Protein change: p.Asp348Val; replaces aspartic acid 348 with valine.
Molecular consequence: missense variant.
Genome position (GRCh38, 1-based): chr22:35,412,633, A>T. VCF-style: chr22-35412633-A-T. GRCh37 (hg19) VCF-style: chr22-35808626-A-T.
Other names: short protein forms D348V.
Identifiers: ClinVar variation 1445037 (VCV001445037.6), dbSNP rs759399183, ClinGen allele CA10205246.
Genomic context (GRCh38, chr22:35,412,633, plus strand): 5'-TCCCAAATGTCTATGAGGTCATCTCCAAGAGCATCGCCCCCTCCATCTTTGGGGGCACAG[A>T]CATGAAGAAGGCCATTGCCTGCCTGCTCTTTGGGGGCTCCCGAAAGAGGTAGGGGCTTGA-3'
Protein context (NP_006730.2, residues 338-358): SIAPSIFGGT[Asp348Val]MKKAIACLLF

ClinVar aggregate classification (germline): Uncertain significance (1 of 4 stars; one submission).

Allele frequency attached by ClinVar (database versions not stated): ExAC 0.00001; gnomAD 0.00001; gnomAD exomes 0.00001.
gnomAD v4.1: 6 of 1,556,920 alleles (0.00039%); highest among the groups gnomAD compares: African/African-American, 0.0014%; no homozygotes.

Submission:

Labcorp Genetics (formerly Invitae), Labcorp
Classification: Uncertain significance. Last evaluated: 2022-12-02. Review status: criteria provided, single submitter. Criteria: Invitae Variant Classification Sherloc (09022015). Collection method: clinical testing. Allele origin: germline.
Comment: Advanced modeling of protein sequence and biophysical properties (such as structural, functional, and spatial information, amino acid conservation, physicochemical variation, residue mobility, and thermodynamic stability) performed at Invitae indicates that this missense variant is not expected to disrupt MCM5 protein function. ClinVar contains an entry for this variant (Variation ID: 1445037). This variant has not been reported in the literature in individuals affected with MCM5-related conditions. This variant is present in population databases (rs759399183, gnomAD 0.008%). This sequence change replaces aspartic acid, which is acidic and polar, with valine, which is neutral and non-polar, at codon 348 of the MCM5 protein (p.Asp348Val). In summary, the available evidence is currently insufficient to determine the role of this variant in disease. Therefore, it has been classified as a Variant of Uncertain Significance.